The following is an entry in ClinVar:

NM_030665.4(RAI1):c.2554G>C (p.Asp852His)

Gene: RAI1 (retinoic acid induced 1; plus strand). Cytogenetic location: 17p11.2.
Variant type: single nucleotide variant.
Coding change: c.2554G>C on transcript NM_030665.4 (MANE Select); coding-DNA position 2554, G replaced by C.
Protein change: p.Asp852His; replaces aspartic acid 852 with histidine.
Molecular consequence: missense variant.
Genome position (GRCh38, 1-based): chr17:17,795,502, G>C. VCF-style: chr17-17795502-G-C. GRCh37 (hg19) VCF-style: chr17-17698816-G-C.
Other names: short protein forms D852H.
Identifiers: ClinVar variation 2771398 (VCV002771398.3), dbSNP rs2508582224, ClinGen allele CA398551498.
Genomic context (GRCh38, chr17:17,795,502, plus strand): 5'-GCCAAGGCTGACCGGTGGCTGGAGGACAGCCGGCACTGCTGTTCCACCGCCGACTTCGGG[G>C]ACCTCCCACTGCTGCCACCCACCAGCAGGAAGGAGGACCTGGAAGCTGAGGAGGAGTACT-3'
Protein context (NP_109590.3, residues 842-862): RHCCSTADFG[Asp852His]LPLLPPTSRK

ClinVar aggregate classification (germline): Uncertain significance (1 of 4 stars; one submission).

Submission:

Labcorp Genetics (formerly Invitae), Labcorp
Classification: Uncertain significance. Last evaluated: 2023-06-05. Review status: criteria provided, single submitter. Criteria: Invitae Variant Classification Sherloc (09022015). Collection method: clinical testing. Allele origin: germline.
Comment: This sequence change replaces aspartic acid, which is acidic and polar, with histidine, which is basic and polar, at codon 852 of the RAI1 protein (p.Asp852His). This variant is not present in population databases (gnomAD no frequency). This variant has not been reported in the literature in individuals affected with RAI1-related conditions. Advanced modeling of protein sequence and biophysical properties (such as structural, functional, and spatial information, amino acid conservation, physicochemical variation, residue mobility, and thermodynamic stability) performed at Invitae indicates that this missense variant is not expected to disrupt RAI1 protein function. In summary, the available evidence is currently insufficient to determine the role of this variant in disease. Therefore, it has been classified as a Variant of Uncertain Significance.